The following is an entry in ClinVar:

NM_005431.2(XRCC2):c.143G>T (p.Gly48Val)

Gene: XRCC2 (X-ray repair cross complementing 2; minus strand). Cytogenetic location: 7q36.1.
Variant type: single nucleotide variant.
Coding change: c.143G>T on transcript NM_005431.2 (MANE Select); coding-DNA position 143, G replaced by T.
Protein change: p.Gly48Val; replaces glycine 48 with valine.
Molecular consequence: missense variant.
Genome position (GRCh38, 1-based): chr7:152,649,342, C>A on the plus strand (G>T on the coding strand, the complement: XRCC2 is on the minus strand). VCF-style: chr7-152649342-C-A. GRCh37 (hg19) VCF-style: chr7-152346427-C-A.
Other names: short protein forms G48V.
Identifiers: ClinVar variation 4866849 (VCV004866849.1).

ClinVar aggregate classification (germline): Uncertain significance (1 of 4 stars; one submission).

Conditions:
Hereditary cancer-predisposing syndrome. Also called: Neoplastic Syndromes, Hereditary; Tumor predisposition; Hereditary Cancer Syndrome; Hereditary neoplastic syndrome. Identifiers: Orphanet 140162, MedGen C0027672, MeSH D009386, MONDO:0015356.

Submission:

Ambry Genetics
Classification: Uncertain significance for Hereditary cancer-predisposing syndrome. Last evaluated: 2026-06-04. Review status: criteria provided, single submitter. Criteria: Ambry Variant Classification Scheme 2023. Collection method: clinical testing. Allele origin: germline.
Comment: The p.G48V variant (also known as c.143G>T), located in coding exon 3 of the XRCC2 gene, results from a G to T substitution at nucleotide position 143. The glycine at codon 48 is replaced by valine, an amino acid with dissimilar properties. This amino acid position is conserved. In addition, this alteration is predicted to be deleterious by in silico analysis. Based on the available evidence, the clinical significance of this variant remains unclear.